The following is an entry in ClinVar:

NM_052872.4(IL17F):c.116C>T (p.Thr39Ile)

Gene: IL17F (interleukin 17F; minus strand). Cytogenetic location: 6p12.2.
Variant type: single nucleotide variant.
Coding change: c.116C>T on transcript NM_052872.4 (MANE Select); coding-DNA position 116, C replaced by T.
Protein change: p.Thr39Ile; replaces threonine 39 with isoleucine.
Molecular consequence: missense variant.
Genome position (GRCh38, 1-based): chr6:52,238,868, G>A on the plus strand (C>T on the coding strand, the complement: IL17F is on the minus strand). VCF-style: chr6-52238868-G-A. GRCh37 (hg19) VCF-style: chr6-52103666-G-A.
Other names: short protein forms T39I.
Identifiers: ClinVar variation 2744642 (VCV002744642.3), dbSNP rs1005482869, ClinGen allele CA364445158.

ClinVar aggregate classification (germline): Uncertain significance (1 of 4 stars; one submission).

Conditions:
Candidiasis, familial, 6 (CANDF6). Also called: Candidiasis, familial, 6, autosomal dominant. Identifiers: Orphanet 1334, MedGen C3151405, MONDO:0013503, OMIM 613956.

Submission:

Labcorp Genetics (formerly Invitae), Labcorp
Classification: Uncertain significance for Candidiasis, familial, 6. Last evaluated: 2023-07-18. Review status: criteria provided, single submitter. Criteria: Invitae Variant Classification Sherloc (09022015). Collection method: clinical testing. Allele origin: germline.
Comment: In summary, the available evidence is currently insufficient to determine the role of this variant in disease. Therefore, it has been classified as a Variant of Uncertain Significance. Algorithms developed to predict the effect of missense changes on protein structure and function output the following: SIFT: "Not Available"; PolyPhen-2: "Benign"; Align-GVGD: "Not Available". The isoleucine amino acid residue is found in multiple mammalian species, which suggests that this missense change does not adversely affect protein function. This variant has not been reported in the literature in individuals affected with IL17F-related conditions. This variant is not present in population databases (gnomAD no frequency). This sequence change replaces threonine, which is neutral and polar, with isoleucine, which is neutral and non-polar, at codon 39 of the IL17F protein (p.Thr39Ile).